The following is an entry in ClinVar:

NM_032977.4(CASP10):c.813+3C>T

Gene: CASP10 (caspase 10; plus strand). Cytogenetic location: 2q33.1.
Variant type: single nucleotide variant.
Coding change: c.813+3C>T on transcript NM_032977.4 (MANE Select); 3 bases into the intron after coding-DNA position 813, C replaced by T.
Molecular consequence: intron variant.
Genome position (GRCh38, 1-based): chr2:201,205,976, C>T. VCF-style: chr2-201205976-C-T. GRCh37 (hg19) VCF-style: chr2-202070699-C-T.
Other names: c.813+3C>T (NM_032974.5); c.685-2099C>T (NM_001206542.2, NM_001230.5); c.722-2099C>T (NM_032976.4); c.721+2210C>T (NM_001206524.2).
Identifiers: ClinVar variation 2005128 (VCV002005128.4), dbSNP rs1210811505, ClinGen allele CA1320965828.

ClinVar aggregate classification (germline): Uncertain significance (1 of 4 stars; one submission).

Conditions:
Autoimmune lymphoproliferative syndrome type 2A (ALPS2A). Also called: CASP10-Related Autoimmune Lymphoproliferative Syndrome; Autoimmune lymphoproliferative syndrome type 2; AUTOIMMUNE LYMPHOPROLIFERATIVE SYNDROME, TYPE IIA. Identifiers: Orphanet 3261, MedGen C1858968, MONDO:0011383, OMIM 603909.

Allele frequency attached by ClinVar (database versions not stated): TOPMed below 0.00001.

Submission:

Labcorp Genetics (formerly Invitae), Labcorp
Classification: Uncertain significance for Autoimmune lymphoproliferative syndrome type 2A. Last evaluated: 2024-10-14. Review status: criteria provided, single submitter. Criteria: Invitae Variant Classification Sherloc (09022015). Collection method: clinical testing. Allele origin: germline.
Comment: This sequence change falls in intron 7 of the CASP10 gene. It does not directly change the encoded amino acid sequence of the CASP10 protein. It affects a nucleotide within the consensus splice site. This variant is not present in population databases (gnomAD no frequency). This variant has not been reported in the literature in individuals affected with CASP10-related conditions. ClinVar contains an entry for this variant (Variation ID: 2005128). Variants that disrupt the consensus splice site are a relatively common cause of aberrant splicing (PMID: 17576681, 9536098). Algorithms developed to predict the effect of sequence changes on RNA splicing suggest that this variant is not likely to affect RNA splicing. In summary, the available evidence is currently insufficient to determine the role of this variant in disease. Therefore, it has been classified as a Variant of Uncertain Significance.

Literature cited by the submitters: PubMed 17576681; PubMed 9536098.